The following is an entry in ClinVar:

NM_005560.6(LAMA5):c.9426G>A (p.Pro3142=)

Gene: LAMA5 (laminin subunit alpha 5; minus strand). Cytogenetic location: 20q13.33.
Variant type: single nucleotide variant.
Coding change: c.9426G>A on transcript NM_005560.6 (MANE Select); coding-DNA position 9426, G replaced by A.
Protein change: p.Pro3142=; no amino-acid change (proline 3142 retained).
Molecular consequence: synonymous variant.
Genome position (GRCh38, 1-based): chr20:62,312,251, C>T on the plus strand (G>A on the coding strand, the complement: LAMA5 is on the minus strand). VCF-style: chr20-62312251-C-T. GRCh37 (hg19) VCF-style: chr20-60887307-C-T.
Other names: c.9426G>A (NM_005560.4).
Identifiers: ClinVar variation 2652477 (VCV002652477.25), dbSNP rs144900016, ClinGen allele CA9940244.

ClinVar aggregate classification (germline): Likely benign. Review status: criteria provided, single submitter (1 of 4 stars). 2 submissions from 2 submitters: Likely benign (1). 1 of the submissions does not count toward it. Last evaluated 2022-09-01.

Conditions:
LAMA5-related disorder. Also called: LAMA5-Related Disorders; LAMA5-related condition.

Allele frequency attached by ClinVar (database versions not stated): TOPMed 0.00003; gnomAD 0.00004; ExAC 0.00008; 1000 Genomes Project 30x 0.00031; 1000 Genomes Project 0.00040.
gnomAD v4.1: 45 of 1,610,852 alleles (0.0028%); highest among the groups gnomAD compares: Middle Eastern, 0.017%; no homozygotes.

Submissions (2):

CeGaT Center for Human Genetics Tuebingen
Classification: Likely benign. Last evaluated: 2022-09-01. Review status: criteria provided, single submitter. Criteria: CeGaT Center For Human Genetics Tuebingen Variant Classification Criteria Version 2. Collection method: clinical testing. Allele origin: germline. Affected: yes. Observed: 1 variant allele.
Comment: LAMA5: BP4, BP7

PreventionGenetics, part of Exact Sciences
Classification: Likely benign for LAMA5-related condition. Last evaluated: 2019-03-29. Review status: no assertion criteria provided. Collection method: clinical testing. Allele origin: germline. Not counted in ClinVar's aggregate classification.
Comment: This variant is classified as likely benign based on ACMG/AMP sequence variant interpretation guidelines (Richards et al. 2015 PMID: 25741868, with internal and published modifications).